The following is an entry in ClinVar:

NM_000264.5(PTCH1):c.435G>T (p.Gln145His)

Gene: PTCH1 (patched 1; minus strand). Cytogenetic location: 9q22.32.
Variant type: single nucleotide variant.
Coding change: c.435G>T on transcript NM_000264.5 (MANE Select); coding-DNA position 435, G replaced by T.
Protein change: p.Gln145His; replaces glutamine 145 with histidine.
Molecular consequence: missense variant. On other transcripts: 5 prime UTR variant (4), non-coding transcript variant (1).
Genome position (GRCh38, 1-based): chr9:95,485,834, C>A on the plus strand (G>T on the coding strand, the complement: PTCH1 is on the minus strand). VCF-style: chr9-95485834-C-A. GRCh37 (hg19) VCF-style: chr9-98248116-C-A.
Other names: c.237G>T, p.Gln79His (NM_001083602.3, NM_001354919.2); c.432G>T, p.Gln144His (NM_001083603.3); c.-19G>T (NM_001083604.3, NM_001083605.3, NM_001083606.3 and 1 more transcripts); c.435G>T, p.Gln145His (NM_001354918.2); short protein forms Q79H, Q144H, Q145H.
Identifiers: ClinVar variation 2743176 (VCV002743176.3), dbSNP rs2118548788, ClinGen allele CA374117201.

ClinVar aggregate classification (germline): Uncertain significance (1 of 4 stars; one submission).

Conditions:
Gorlin syndrome. Also called: Basal cell nevus syndrome; Nevoid Basal Cell Carcinoma Syndrome. Identifiers: Orphanet 377, MedGen C0004779, MONDO:0007187.

Submission:

Labcorp Genetics (formerly Invitae), Labcorp
Classification: Uncertain significance for Gorlin syndrome. Last evaluated: 2023-07-14. Review status: criteria provided, single submitter. Criteria: Invitae Variant Classification Sherloc (09022015). Collection method: clinical testing. Allele origin: germline.
Comment: In summary, the available evidence is currently insufficient to determine the role of this variant in disease. Therefore, it has been classified as a Variant of Uncertain Significance. Advanced modeling of protein sequence and biophysical properties (such as structural, functional, and spatial information, amino acid conservation, physicochemical variation, residue mobility, and thermodynamic stability) performed at Invitae indicates that this missense variant is not expected to disrupt PTCH1 protein function. This variant has not been reported in the literature in individuals affected with PTCH1-related conditions. This variant is not present in population databases (gnomAD no frequency). This sequence change replaces glutamine, which is neutral and polar, with histidine, which is basic and polar, at codon 145 of the PTCH1 protein (p.Gln145His).